The following is an entry in ClinVar:

NM_001375524.1(TRRAP):c.520G>A (p.Glu174Lys)

Gene: TRRAP (transformation/transcription domain associated protein; plus strand). Cytogenetic location: 7q22.1.
Variant type: single nucleotide variant.
Coding change: c.520G>A on transcript NM_001375524.1 (MANE Select); coding-DNA position 520, G replaced by A.
Protein change: p.Glu174Lys; replaces glutamic acid 174 with lysine.
Molecular consequence: missense variant.
Genome position (GRCh38, 1-based): chr7:98,897,753, G>A. VCF-style: chr7-98897753-G-A. GRCh37 (hg19) VCF-style: chr7-98495376-G-A.
Other names: c.520G>A, p.Glu174Lys (NM_001244580.2, NM_003496.4); short protein forms E174K.
Identifiers: ClinVar variation 3375845 (VCV003375845.1).
Genomic context (GRCh38, chr7:98,897,753, plus strand): 5'-ATATTGGGTTTGACTTTAGGAAAAAATATTTTTATGACTTTTATGTAGAACCGCTACTTT[G>A]AGAACCCTCAAGTGATCCCCGAGAACACAGTGCCTCCCCCAGAAATGGTTGGTATGATAA-3'
Protein context (NP_001362453.1, residues 164-184): ELPKVVNRYF[Glu174Lys]NPQVIPENTV

ClinVar aggregate classification (germline): Uncertain significance (1 of 4 stars; one submission).

Submission:

GeneDx
Classification: Uncertain significance. Last evaluated: 2024-05-01. Review status: criteria provided, single submitter. Criteria: GeneDx Variant Classification Process June 2021. Collection method: clinical testing. Allele origin: germline. Affected: yes.
Comment: Not observed at significant frequency in large population cohorts (gnomAD); In silico analysis supports that this missense variant has a deleterious effect on protein structure/function; Has not been previously published as pathogenic or benign to our knowledge